The following is an entry in ClinVar:

ClinVar aggregate classification (germline): Uncertain significance (1 of 4 stars; one submission).

gnomAD v4.1: 22 of 1,613,646 alleles (0.0014%); highest among the groups gnomAD compares: Non-Finnish European, 0.0019%; no homozygotes.

Submission:

GeneDx
Classification: Uncertain significance. Last evaluated: 2025-10-06. Review status: criteria provided, single submitter. Criteria: GeneDx Variant Classification Process June 2021. Collection method: clinical testing. Allele origin: germline. Affected: yes.
Comment: Not observed at significant frequency in large population cohorts (gnomAD); Has not been previously published as pathogenic or benign to our knowledge; In silico analysis is inconclusive as to whether the variant alters gene splicing. In the absence of RNA/functional studies, the actual effect of this sequence change is unknown.

NM_016239.4(MYO15A):c.4655+4A>T

Gene: MYO15A (myosin XVA; plus strand). Cytogenetic location: 17p11.2.
Variant type: single nucleotide variant.
Coding change: c.4655+4A>T on transcript NM_016239.4 (MANE Select); 4 bases into the intron after coding-DNA position 4655, A replaced by T.
Molecular consequence: intron variant.
Genome position (GRCh38, 1-based): chr17:18,136,479, A>T. VCF-style: chr17-18136479-A-T. GRCh37 (hg19) VCF-style: chr17-18039793-A-T.
Identifiers: ClinVar variation 4819505 (VCV004819505.1).